The following is an entry in ClinVar:

NM_000169.3(GLA):c.614del (p.Pro205fs)

Genes: GLA (galactosidase alpha; minus strand), RPL36A-HNRNPH2 (RPL36A-HNRNPH2 readthrough; plus strand). Cytogenetic location: Xq22.1.
Variant type: Deletion.
Coding change: c.614del on transcript NM_000169.3 (MANE Select); coding-DNA position 614, one base deleted (C; older notation c.614delC).
Protein change: p.Pro205fs; shifts the reading frame from proline 205.
Molecular consequence: frameshift variant. On other transcripts: non-coding transcript variant (2), intron variant (2).
Genome position (GRCh38, 1-based): chrX:101,400,691, G deleted on the plus strand (C on the coding strand, the reverse complement: GLA is on the minus strand); the first of 2 consecutive G bases (chrX:101,400,691-101,400,692); deleting either gives the same sequence. VCF-style (leftmost placement, unchanged base first): chrX-101400690-AG-A. GRCh37 (hg19) VCF-style: chrX-100655678-AG-A.
Other names: c.737del, p.Pro246fs (NM_001406747.1); c.614del, p.Pro205fs (NM_001406748.1); c.300+5235del (NM_001199973.2); c.177+8870del (NM_001199974.2); short protein forms P205fs, P246fs.
Identifiers: ClinVar variation 4086983 (VCV004086983.2), dbSNP rs869312347.

ClinVar aggregate classification (germline): Pathogenic (1 of 4 stars; one submission).

Conditions:
Fabry disease. Also called: ALPHA-GALACTOSIDASE A DEFICIENCY; ANDERSON-FABRY DISEASE; CERAMIDE TRIHEXOSIDASE DEFICIENCY; GLA DEFICIENCY; HEREDITARY DYSTOPIC LIPIDOSIS; Angiokeratoma corporis diffusum. Identifiers: Orphanet 324, MedGen C0002986, MONDO:0010526, OMIM 301500, HP:0001071. Disease mechanism: Fabry disease is due to inactivating mutations in the X-linked GLA gene resulting in deficiency of the enzyme Alpha Galactosidase-A., loss of function.

Submission:

Genomenon, Inc
Classification: Pathogenic for Fabry disease. Last evaluated: 2026-09-08. Review status: criteria provided, single submitter. Criteria: Genomenon Sequence Variant Interpretation Standards - Updated. Collection method: curation. Allele origin: germline. Affected: yes.
Comment: GLA p.Pro205LeufsTer35 (c.614del) is a frameshift variant that is predicted to introduce a premature termination codon and result in a truncated or absent protein product. This variant has been observed in at least one proband with clinical features consistent with Fabry disease (PMID:32719972;30477121;22465271). The variant was found to segregate with disease in at least one affected family (PMID:22465271). Functional or patient cell studies have been reported (PMID:27585509;28977874;22465271). It is absent or not present at a significant frequency in gnomAD. In conclusion, we classify GLA p.Pro205LeufsTer35 (c.614del) as a pathogenic variant.

Literature cited by the submitters: PubMed 32719972; PubMed 30477121; PubMed 22465271; PubMed 27585509; PubMed 28977874.